The following is an entry in ClinVar:

ClinVar aggregate classification (germline): Uncertain significance (1 of 4 stars; one submission).

Allele frequency attached by ClinVar (database versions not stated): gnomAD 0.00001; gnomAD exomes 0.00001; ExAC 0.00002; TOPMed 0.00002; ESP Exome Variant Server 0.00008.
gnomAD v4.1: 13 of 1,565,420 alleles (0.00083%); highest among the groups gnomAD compares: Middle Eastern, 0.035%; no homozygotes.

Submission:

Labcorp Genetics (formerly Invitae), Labcorp
Classification: Uncertain significance. Last evaluated: 2024-10-08. Review status: criteria provided, single submitter. Criteria: Invitae Variant Classification Sherloc (09022015). Collection method: clinical testing. Allele origin: germline.
Comment: This sequence change falls in intron 5 of the RIMS1 gene. It does not directly change the encoded amino acid sequence of the RIMS1 protein. It affects a nucleotide within the consensus splice site. This variant is present in population databases (rs376288569, gnomAD 0.009%). This variant has not been reported in the literature in individuals affected with RIMS1-related conditions. ClinVar contains an entry for this variant (Variation ID: 1498022). Variants that disrupt the consensus splice site are a relatively common cause of aberrant splicing (PMID: 17576681, 9536098). Algorithms developed to predict the effect of sequence changes on RNA splicing suggest that this variant is not likely to affect RNA splicing. In summary, the available evidence is currently insufficient to determine the role of this variant in disease. Therefore, it has been classified as a Variant of Uncertain Significance.

Literature cited by the submitters: PubMed 17576681; PubMed 9536098.

NM_014989.7(RIMS1):c.813-3T>C

Gene: RIMS1 (regulating synaptic membrane exocytosis 1; plus strand). Cytogenetic location: 6q13.
Variant type: single nucleotide variant.
Coding change: c.813-3T>C on transcript NM_014989.7 (MANE Select); 3 bases into the intron before coding-DNA position 813, T replaced by C.
Molecular consequence: intron variant.
Genome position (GRCh38, 1-based): chr6:72,182,281, T>C. VCF-style: chr6-72182281-T-C. GRCh37 (hg19) VCF-style: chr6-72891984-T-C.
Identifiers: ClinVar variation 1498022 (VCV001498022.6), dbSNP rs376288569, ClinGen allele CA3885595.